The following is an entry in ClinVar:

ClinVar aggregate classification (germline): Uncertain significance (1 of 4 stars; one submission).

Allele frequency attached by ClinVar (database versions not stated): ExAC 0.00001; gnomAD 0.00001; gnomAD exomes 0.00001; TOPMed 0.00001.
gnomAD v4.1: 9 of 1,614,096 alleles (0.00056%); highest among the groups gnomAD compares: East Asian, 0.02%; no homozygotes.

Submission:

Labcorp Genetics (formerly Invitae), Labcorp
Classification: Uncertain significance. Last evaluated: 2023-04-14. Review status: criteria provided, single submitter. Criteria: Invitae Variant Classification Sherloc (09022015). Collection method: clinical testing. Allele origin: germline.
Comment: This variant has not been reported in the literature in individuals affected with CXCR2-related conditions. This sequence change replaces leucine, which is neutral and non-polar, with methionine, which is neutral and non-polar, at codon 64 of the CXCR2 protein (p.Leu64Met). This variant is present in population databases (rs762103956, gnomAD 0.04%). An algorithm developed to predict the effect of missense changes on protein structure and function (PolyPhen-2) suggests that this variant is likely to be disruptive. In summary, the available evidence is currently insufficient to determine the role of this variant in disease. Therefore, it has been classified as a Variant of Uncertain Significance.

NM_001557.4(CXCR2):c.190C>A (p.Leu64Met)

Gene: CXCR2 (C-X-C motif chemokine receptor 2; plus strand). Cytogenetic location: 2q35.
Variant type: single nucleotide variant.
Coding change: c.190C>A on transcript NM_001557.4 (MANE Select); coding-DNA position 190, C replaced by A.
Protein change: p.Leu64Met; replaces leucine 64 with methionine.
Molecular consequence: missense variant.
Genome position (GRCh38, 1-based): chr2:218,134,991, C>A. VCF-style: chr2-218134991-C-A. GRCh37 (hg19) VCF-style: chr2-218999714-C-A.
Other names: c.190C>A, p.Leu64Met (NM_001168298.2); short protein forms L64M.
Identifiers: ClinVar variation 2989732 (VCV002989732.3), dbSNP rs762103956, ClinGen allele CA2101659.